The following is an entry in ClinVar:

NM_001384749.1(HOXB3):c.471C>T (p.Gly157=)

Genes: HOXB-AS1 (HOXB cluster antisense RNA 1; plus strand), HOXB3 (homeobox B3; minus strand). Cytogenetic location: 17q21.32.
Variant type: single nucleotide variant.
Coding change: c.471C>T on transcript NM_001384749.1 (MANE Select); coding-DNA position 471, C replaced by T.
Protein change: p.Gly157=; no amino-acid change (glycine 157 retained).
Molecular consequence: synonymous variant. On other transcripts: non-coding transcript variant (1).
Genome position (GRCh38, 1-based): chr17:48,551,159, G>A on the plus strand (C>T on the coding strand, the complement: HOXB3 is on the minus strand). VCF-style: chr17-48551159-G-A. GRCh37 (hg19) VCF-style: chr17-46628521-G-A.
Other names: c.252C>T, p.Gly84= (NM_001330322.2, NM_001384750.1); c.75C>T, p.Gly25= (NM_001330323.1); c.471C>T, p.Gly157= (NM_001384747.1, NM_002146.4).
Identifiers: ClinVar variation 3067467 (VCV003067467.21), dbSNP rs1235551880, ClinGen allele CA500658242.

ClinVar aggregate classification (germline): Likely benign (1 of 4 stars; one submission).

gnomAD v4.1: 5 of 1,282,584 alleles (0.00039%); highest among the groups gnomAD compares: South Asian, 0.0053%; no homozygotes.

Submission:

CeGaT Center for Human Genetics Tuebingen
Classification: Likely benign. Last evaluated: 2024-03-01. Review status: criteria provided, single submitter. Criteria: CeGaT Center For Human Genetics Tuebingen Variant Classification Criteria Version 2. Collection method: clinical testing. Allele origin: germline. Affected: yes. Observed: 1 variant allele.
Comment: HOXB3: BP4, BP7